The following is an entry in ClinVar:

ClinVar aggregate classification (germline): Uncertain significance (1 of 4 stars; one submission).

gnomAD v4.1: 11 of 1,211,763 alleles (0.00091%); highest among the groups gnomAD compares: Non-Finnish European, 0.0012%; no homozygotes.

Submission:

GeneDx
Classification: Uncertain significance. Last evaluated: 2025-08-18. Review status: criteria provided, single submitter. Criteria: GeneDx Variant Classification Process June 2021. Collection method: clinical testing. Allele origin: germline.
Comment: Not observed at significant frequency in large population cohorts (gnomAD); In silico analysis supports that this missense variant has a deleterious effect on protein structure/function; Has not been previously published as pathogenic or benign to our knowledge

NM_012310.5(KIF4A):c.2330A>G (p.Asp777Gly)

Gene: KIF4A (kinesin family member 4A; plus strand). Cytogenetic location: Xq13.1.
Variant type: single nucleotide variant.
Coding change: c.2330A>G on transcript NM_012310.5 (MANE Select); coding-DNA position 2330, A replaced by G.
Protein change: p.Asp777Gly; replaces aspartic acid 777 with glycine.
Molecular consequence: missense variant.
Genome position (GRCh38, 1-based): chrX:70,395,768, A>G. VCF-style: chrX-70395768-A-G. GRCh37 (hg19) VCF-style: chrX-69615618-A-G.
Other names: short protein forms D777G.
Identifiers: ClinVar variation 3903052 (VCV003903052.2).